The following is an entry in ClinVar:

ClinVar aggregate classification (germline): Uncertain significance (1 of 4 stars; one submission).

Conditions:
Cardiovascular phenotype. Identifiers: MedGen CN230736.

Submission:

Ambry Genetics
Classification: Uncertain significance for Cardiovascular phenotype. Last evaluated: 2022-04-03. Review status: criteria provided, single submitter. Criteria: Ambry Variant Classification Scheme 2023. Collection method: clinical testing. Allele origin: germline.
Comment: The p.V983I variant (also known as c.2947G>A), located in coding exon 18 of the SOS1 gene, results from a G to A substitution at nucleotide position 2947. The valine at codon 983 is replaced by isoleucine, an amino acid with highly similar properties. This amino acid position is conserved. In addition, this alteration is predicted to be tolerated by in silico analysis. Since supporting evidence is limited at this time, the clinical significance of this alteration remains unclear.

NM_005633.4(SOS1):c.2947G>A (p.Val983Ile)

Gene: SOS1 (SOS Ras/Rac guanine nucleotide exchange factor 1; minus strand). Cytogenetic location: 2p22.1.
Variant type: single nucleotide variant.
Coding change: c.2947G>A on transcript NM_005633.4 (MANE Select); coding-DNA position 2947, G replaced by A.
Protein change: p.Val983Ile; replaces valine 983 with isoleucine.
Molecular consequence: missense variant.
Genome position (GRCh38, 1-based): chr2:38,997,270, C>T on the plus strand (G>A on the coding strand, the complement: SOS1 is on the minus strand). VCF-style: chr2-38997270-C-T. GRCh37 (hg19) VCF-style: chr2-39224411-C-T.
Other names: c.2926G>A, p.Val976Ile (NM_001382394.1); c.2947G>A, p.Val983Ile (NM_001382395.1); short protein forms V976I, V983I.
Identifiers: ClinVar variation 1797980 (VCV001797980.2), dbSNP rs912502334, ClinGen allele CA45647601.
Genomic context (GRCh38, chr2:38,997,270, plus strand): 5'-GAAACTTAATCAGAAGTATGAATCTTTAAATAATTCAACTTACTTTGATATCTGATTCTA[C>T]TCGTAAACAGTAAGGCTGATTTTGGTACTGCTGGATCTCTCCTGTTATTTCTGCTACTTT-3'
Protein context (NP_005624.2, residues 973-993): QYQNQPYCLR[Val983Ile]ESDIKRFFEN